The following is an entry in ClinVar:

ClinVar aggregate classification (germline): Likely benign. Review status: criteria provided, multiple submitters, no conflicts (2 of 4 stars). 4 submissions from 4 submitters: Likely benign (4). Last evaluated 2026-08-01.

Conditions:
Cardiovascular phenotype. Identifiers: MedGen CN230736.
Autosomal recessive limb-girdle muscular dystrophy type 2J (LGMDR10). Also called: Limb-girdle muscular dystrophy, type 2J; MUSCULAR DYSTROPHY, LIMB-GIRDLE, AUTOSOMAL RECESSIVE 10. Identifiers: Orphanet 140922, MedGen C1837342, MONDO:0012127, OMIM 608807.
Dilated cardiomyopathy 1G (CMD1G). Identifiers: Orphanet 154, MedGen C1858763, MONDO:0011400, OMIM 604145.

Allele frequency attached by ClinVar (database versions not stated): gnomAD exomes 0.00002; gnomAD 0.00003; TOPMed 0.00003; ExAC 0.00004; ESP Exome Variant Server 0.00016.
gnomAD v4.1: 36 of 1,613,458 alleles (0.0022%); highest among the groups gnomAD compares: Non-Finnish European, 0.0026%; no homozygotes.

Submissions (4):

CeGaT Center for Human Genetics Tuebingen
Classification: Likely benign. Last evaluated: 2026-08-01. Review status: criteria provided, single submitter. Criteria: CeGaT Center For Human Genetics Tuebingen Variant Classification Criteria Version 2. Collection method: clinical testing. Allele origin: germline. Affected: yes. Observed: 3 variant alleles.
Comment: TTN: BP4, BP7

Labcorp Genetics (formerly Invitae), Labcorp
Classification: Likely benign for Dilated cardiomyopathy 1G; Autosomal recessive limb-girdle muscular dystrophy type 2J. Last evaluated: 2025-10-21. Review status: criteria provided, single submitter. Criteria: Invitae Variant Classification Sherloc (09022015). Collection method: clinical testing. Allele origin: germline.

GeneDx
Classification: Likely benign. Last evaluated: 2021-02-09. Review status: criteria provided, single submitter. Criteria: GeneDx Variant Classification Process June 2021. Collection method: clinical testing. Allele origin: germline. Affected: yes.

Ambry Genetics
Classification: Likely benign for Cardiovascular phenotype. Last evaluated: 2017-06-01. Review status: criteria provided, single submitter. Criteria: Ambry Variant Classification Scheme 2023. Collection method: clinical testing. Allele origin: germline.

NM_001267550.2(TTN):c.98022C>T (p.Arg32674=)

Genes: TTN (titin; minus strand), TTN-AS1 (TTN antisense RNA 1; plus strand). Cytogenetic location: 2q31.2.
Variant type: single nucleotide variant.
Coding change: c.98022C>T on transcript NM_001267550.2 (MANE Select); coding-DNA position 98022, C replaced by T.
Protein change: p.Arg32674=; no amino-acid change (arginine 32674 retained).
Molecular consequence: synonymous variant. On other transcripts: non-coding transcript variant (1).
Genome position (GRCh38, 1-based): chr2:178,540,144, G>A on the plus strand (C>T on the coding strand, the complement: TTN is on the minus strand). VCF-style: chr2-178540144-G-A. GRCh37 (hg19) VCF-style: chr2-179404871-G-A.
Other names: c.93099C>T, p.Arg31033= (NM_001256850.1); c.70827C>T, p.Arg23609= (NM_003319.4); c.90318C>T, p.Arg30106= (NM_133378.4); c.71202C>T, p.Arg23734= (NM_133432.3); c.71403C>T, p.Arg23801= (NM_133437.4).
Identifiers: ClinVar variation 386640 (VCV000386640.52), dbSNP rs372825562, ClinGen allele CA1986453.
Genomic context (GRCh38, chr2:178,540,144, plus strand): 5'-TTTGACTGTTCCTGGTACCTCAGCAGGCTCACCAGGTCCACCAGCATTACAAGCTAGGAC[G>A]CGGAACCTGTATTCTGCACCCTGAGGTAGGTGTGTTAGAGTATACTCTCGAATCTTGGTT-3'
Protein context (NP_001254479.2, residues 32664-32684): HLPQGAEYRF[Arg32674=]VLACNAGGPG